The following is an entry in ClinVar:

ClinVar aggregate classification (germline): Uncertain significance. Review status: criteria provided, multiple submitters, no conflicts (2 of 4 stars). 4 submissions from 4 submitters: Uncertain significance (4). Last evaluated 2024-11-14.

Conditions:
Inborn genetic diseases. Identifiers: MedGen C0950123, MeSH D030342.
PGM1-congenital disorder of glycosylation. Also called: CDG It; PHOSPHOGLUCOMUTASE 1 DEFICIENCY; PGM1 DEFICIENCY; GLYCOGEN STORAGE DISEASE XIV; GSD XIV; Congenital disorder of glycosylation type 1t. Identifiers: Orphanet 319646, MedGen C2752015, MONDO:0013968, OMIM 614921.

Allele frequency attached by ClinVar (database versions not stated): ExAC 0.00002; gnomAD exomes 0.00002; TOPMed 0.00013; gnomAD 0.00014; ESP Exome Variant Server 0.00023.
gnomAD v4.1: 48 of 1,613,940 alleles (0.003%); highest among the groups gnomAD compares: African/African-American, 0.041%; no homozygotes.

Submissions (4):

Blueprint Genetics
Classification: Uncertain significance. Last evaluated: 2024-11-14. Review status: criteria provided, single submitter. Criteria: ACMG Guidelines, 2015. Collection method: clinical testing. Allele origin: germline.

Ambry Genetics
Classification: Uncertain significance for Inborn genetic diseases. Last evaluated: 2024-11-11. Review status: criteria provided, single submitter. Criteria: Ambry Variant Classification Scheme 2023. Collection method: clinical testing. Allele origin: germline.

Mayo Clinic Laboratories, Mayo Clinic
Classification: Uncertain significance. Last evaluated: 2023-03-24. Review status: criteria provided, single submitter. Criteria: ACMG Guidelines, 2015. Collection method: clinical testing. Allele origin: germline. Observed: 1 variant allele.
Comment: BP4

Labcorp Genetics (formerly Invitae), Labcorp
Classification: Uncertain significance for PGM1-congenital disorder of glycosylation. Last evaluated: 2022-10-13. Review status: criteria provided, single submitter. Criteria: Invitae Variant Classification Sherloc (09022015). Collection method: clinical testing. Allele origin: germline.
Comment: This sequence change replaces leucine, which is neutral and non-polar, with valine, which is neutral and non-polar, at codon 177 of the PGM1 protein (p.Leu177Val). This variant is present in population databases (rs112293909, gnomAD 0.05%). This variant has not been reported in the literature in individuals affected with PGM1-related conditions. ClinVar contains an entry for this variant (Variation ID: 1418179). Algorithms developed to predict the effect of missense changes on protein structure and function (SIFT, PolyPhen-2, Align-GVGD) all suggest that this variant is likely to be tolerated. In summary, the available evidence is currently insufficient to determine the role of this variant in disease. Therefore, it has been classified as a Variant of Uncertain Significance.

NM_002633.3(PGM1):c.529T>G (p.Leu177Val)

Gene: PGM1 (phosphoglucomutase 1; plus strand). Cytogenetic location: 1p31.3.
Variant type: single nucleotide variant.
Coding change: c.529T>G on transcript NM_002633.3 (MANE Select); coding-DNA position 529, T replaced by G.
Protein change: p.Leu177Val; replaces leucine 177 with valine.
Molecular consequence: missense variant. On other transcripts: 5 prime UTR variant (1).
Genome position (GRCh38, 1-based): chr1:63,630,061, T>G. VCF-style: chr1-63630061-T-G. GRCh37 (hg19) VCF-style: chr1-64095732-T-G.
Other names: p.Leu177Val; c.583T>G, p.Leu195Val (NM_001172818.1); c.-63T>G (NM_001172819.2); c.529T>G (NM_002633.2); short protein forms L177V, L195V.
Identifiers: ClinVar variation 1418179 (VCV001418179.7), dbSNP rs112293909, ClinGen allele CA889560.
Genomic context (GRCh38, chr1:63,630,061, plus strand): 5'-TATGCAGTTTGCCCTGACCTGAAAGTAGACCTTGGTGTTCTGGGAAAGCAGCAGTTTGAC[T>G]TGGAAAATAAGTTCAAACCCTTCACAGGCATGTTTACTTTCCTCCTCTTTCTGCCCACTC-3'
Protein context (NP_002624.2, residues 167-187): LGVLGKQQFD[Leu177Val]ENKFKPFTVE